The following is an entry in ClinVar:

NM_001367624.2(ZNF469):c.7274G>A (p.Ser2425Asn)

Gene: ZNF469 (zinc finger protein 469; plus strand). Cytogenetic location: 16q24.2.
Variant type: single nucleotide variant.
Coding change: c.7274G>A on transcript NM_001367624.2 (MANE Select); coding-DNA position 7274, G replaced by A.
Protein change: p.Ser2425Asn; replaces serine 2425 with asparagine.
Molecular consequence: missense variant.
Genome position (GRCh38, 1-based): chr16:88,434,744, G>A. VCF-style: chr16-88434744-G-A. GRCh37 (hg19) VCF-style: chr16-88501152-G-A.
Other names: short protein forms S2425N.
Identifiers: ClinVar variation 4536848 (VCV004536848.1).

ClinVar aggregate classification (germline): Uncertain significance (1 of 4 stars; one submission).

Submission:

Women's Health and Genetics/Laboratory Corporation of America, LabCorp
Classification: Uncertain significance. Last evaluated: 2025-11-11. Review status: criteria provided, single submitter. Criteria: LabCorp Variant Classification Summary - May 2015. Collection method: clinical testing. Allele origin: germline.
Comment: Variant summary: ZNF469 c.7274G>A (p.Ser2425Asn) results in a conservative amino acid change in the encoded protein sequence. Algorithms developed to predict the effect of missense changes on protein structure and function are either unavailable or do not agree on the potential impact of this missense change. The variant was absent in 153778 control chromosomes. The available data on variant occurrences in the general population are insufficient to allow any conclusion about variant significance. To our knowledge, no occurrence of c.7274G>A in individuals affected with ZNF469-related conditions and no experimental evidence demonstrating its impact on protein function have been reported. No submitters have cited clinical-significance assessments for this variant to ClinVar. Based on the evidence outlined above, the variant was classified as uncertain significance.